The following is an entry in ClinVar:

NM_181458.4(PAX3):c.218C>G (p.Ser73Trp)

Gene: PAX3 (paired box 3; minus strand). Cytogenetic location: 2q36.1.
Variant type: single nucleotide variant.
Coding change: c.218C>G on transcript NM_181458.4 (MANE Select); coding-DNA position 218, C replaced by G.
Protein change: p.Ser73Trp; replaces serine 73 with tryptophan.
Molecular consequence: missense variant.
Genome position (GRCh38, 1-based): chr2:222,297,081, G>C on the plus strand (C>G on the coding strand, the complement: PAX3 is on the minus strand). VCF-style: chr2-222297081-G-C. GRCh37 (hg19) VCF-style: chr2-223161800-G-C.
Other names: c.218C>G, p.Ser73Trp (NM_181459.4, NM_181460.4, NM_181461.4 and 4 more transcripts); short protein forms S73W.
Identifiers: ClinVar variation 2030994 (VCV002030994.4), dbSNP rs1553593928, ClinGen allele CA351113564.

ClinVar aggregate classification (germline): Likely pathogenic (1 of 4 stars; one submission).

Submission:

Labcorp Genetics (formerly Invitae), Labcorp
Classification: Likely pathogenic. Last evaluated: 2022-09-17. Review status: criteria provided, single submitter. Criteria: Invitae Variant Classification Sherloc (09022015). Collection method: clinical testing. Allele origin: germline.
Comment: In summary, the currently available evidence indicates that the variant is pathogenic, but additional data are needed to prove that conclusively. Therefore, this variant has been classified as Likely Pathogenic. This sequence change replaces serine, which is neutral and polar, with tryptophan, which is neutral and slightly polar, at codon 73 of the PAX3 protein (p.Ser73Trp). This variant is not present in population databases (gnomAD no frequency). This missense change has been observed in individual(s) with clinical features of Waardenburg syndrome (Invitae). Advanced modeling of protein sequence and biophysical properties (such as structural, functional, and spatial information, amino acid conservation, physicochemical variation, residue mobility, and thermodynamic stability) performed at Invitae indicates that this missense variant is expected to disrupt PAX3 protein function. This variant disrupts the p.Ser73 amino acid residue in PAX3. Other variant(s) that disrupt this residue have been determined to be pathogenic (PMID: 10779847). This suggests that this residue is clinically significant, and that variants that disrupt this residue are likely to be disease-causing.

Literature cited by the submitters: PubMed 10779847.